The following is an entry in ClinVar:

NM_001271.4(CHD2):c.2686C>G (p.Gln896Glu)

Gene: CHD2 (chromodomain helicase DNA binding protein 2; plus strand). Cytogenetic location: 15q26.1.
Variant type: single nucleotide variant.
Coding change: c.2686C>G on transcript NM_001271.4 (MANE Select); coding-DNA position 2686, C replaced by G.
Protein change: p.Gln896Glu; replaces glutamine 896 with glutamic acid.
Molecular consequence: missense variant.
Genome position (GRCh38, 1-based): chr15:92,978,342, C>G. VCF-style: chr15-92978342-C-G. GRCh37 (hg19) VCF-style: chr15-93521572-C-G.
Other names: short protein forms Q896E.
Identifiers: ClinVar variation 1408227 (VCV001408227.7), dbSNP rs2141843235, ClinGen allele CA393893889.

ClinVar aggregate classification (germline): Conflicting classifications of pathogenicity. Review status: criteria provided, conflicting classifications (1 of 4 stars). 2 submissions from 2 submitters: Pathogenic (1); Uncertain significance (1). Last evaluated 2024-11-20.

Conditions:
Developmental and epileptic encephalopathy 94 (DEE94). Also called: CHD2-Related Neurodevelopmental Disorders; Epileptic encephalopathy, childhood-onset. Identifiers: Orphanet 1942, Orphanet 2382, MedGen C3809278, MONDO:0014150, OMIM 615369.

Submissions (2):

Blueprint Genetics
Classification: Uncertain significance. Last evaluated: 2024-11-20. Review status: criteria provided, single submitter. Criteria: ACMG Guidelines, 2015. Collection method: clinical testing. Allele origin: germline.

Labcorp Genetics (formerly Invitae), Labcorp
Classification: Pathogenic for Developmental and epileptic encephalopathy 94. Last evaluated: 2021-09-14. Review status: criteria provided, single submitter. Criteria: Invitae Variant Classification Sherloc (09022015). Collection method: clinical testing. Allele origin: germline.
Comment: For these reasons, this variant has been classified as Pathogenic. This sequence change replaces glutamine with glutamic acid at codon 896 of the CHD2 protein (p.Gln896Glu). The glutamine residue is highly conserved and there is a small physicochemical difference between glutamine and glutamic acid. This variant is not present in population databases (ExAC no frequency). This missense change has been observed in individual(s) with clinical features of CHD2-related conditions (Invitae). In at least one individual the variant was observed to be de novo. Advanced modeling of protein sequence and biophysical properties (such as structural, functional, and spatial information, amino acid conservation, physicochemical variation, residue mobility, and thermodynamic stability) performed at Invitae indicates that this missense variant is expected to disrupt CHD2 protein function.